The following is an entry in ClinVar:

ClinVar aggregate classification (germline): Uncertain significance (1 of 4 stars; one submission).

Conditions:
Familial adenomatous polyposis 1 (FAP1). Also called: POLYPOSIS, ADENOMATOUS INTESTINAL; FAMILIAL ADENOMATOUS POLYPOSIS 1, ATTENUATED. Identifiers: MedGen C2713442, MONDO:0021056, OMIM 175100. Disease mechanism: loss of function.

Submission:

Labcorp Genetics (formerly Invitae), Labcorp
Classification: Uncertain significance for Familial adenomatous polyposis 1. Last evaluated: 2025-12-19. Review status: criteria provided, single submitter. Criteria: Invitae Variant Classification Sherloc (09022015). Collection method: clinical testing. Allele origin: germline.
Comment: This sequence change replaces proline, which is neutral and non-polar, with threonine, which is neutral and polar, at codon 2450 of the APC protein (p.Pro2450Thr). This variant is not present in population databases (gnomAD no frequency). This variant has not been reported in the literature in individuals affected with APC-related conditions. ClinVar contains an entry for this variant (Variation ID: 1992954). Invitae Evidence Modeling of protein sequence and biophysical properties (such as structural, functional, and spatial information, amino acid conservation, physicochemical variation, residue mobility, and thermodynamic stability) indicates that this missense variant is not expected to disrupt APC protein function with a negative predictive value of 95%. In summary, the available evidence is currently insufficient to determine the role of this variant in disease. Therefore, it has been classified as a Variant of Uncertain Significance.

NM_000038.6(APC):c.7348C>A (p.Pro2450Thr)

Gene: APC (APC regulator of Wnt signaling pathway; plus strand). Cytogenetic location: 5q22.2.
Variant type: single nucleotide variant.
Coding change: c.7348C>A on transcript NM_000038.6 (MANE Select); coding-DNA position 7348, C replaced by A.
Protein change: p.Pro2450Thr; replaces proline 2450 with threonine.
Molecular consequence: missense variant.
Genome position (GRCh38, 1-based): chr5:112,842,942, C>A. VCF-style: chr5-112842942-C-A. GRCh37 (hg19) VCF-style: chr5-112178639-C-A.
Other names: c.7348C>A, p.Pro2450Thr (NM_001127510.3, NM_001354895.2, NM_001407450.1); c.7294C>A, p.Pro2432Thr (NM_001127511.3); c.7402C>A, p.Pro2468Thr (NM_001354896.2, NM_001407447.1, NM_001407448.1 and 1 more transcripts); c.7378C>A, p.Pro2460Thr (NM_001354897.2); c.7273C>A, p.Pro2425Thr (NM_001354898.2); c.7264C>A, p.Pro2422Thr (NM_001354899.2); c.7225C>A, p.Pro2409Thr (NM_001354900.2); c.7171C>A, p.Pro2391Thr (NM_001354901.2, NM_001407453.1); and 11 more; short protein forms P2324T, P2391T, P2409T, P2425T, P2443T, P2478T, P2290T, P2321T.
Identifiers: ClinVar variation 1992954 (VCV001992954.4), dbSNP rs1766453705, ClinGen allele CA16037333.